The following is an entry in ClinVar:

NM_003982.4(SLC7A7):c.*8C>G

Gene: SLC7A7 (solute carrier family 7 member 7; minus strand). Cytogenetic location: 14q11.2.
Variant type: single nucleotide variant.
Coding change: c.*8C>G on transcript NM_003982.4 (MANE Select); 8 bases downstream of the stop codon, C replaced by G.
Molecular consequence: 3 prime UTR variant.
Genome position (GRCh38, 1-based): chr14:22,773,602, G>C on the plus strand (C>G on the coding strand, the complement: SLC7A7 is on the minus strand). VCF-style: chr14-22773602-G-C. GRCh37 (hg19) VCF-style: chr14-23242811-G-C.
Other names: c.*8C>G (NM_001126105.3, NM_001126106.4).
Identifiers: ClinVar variation 391214 (VCV000391214.1), dbSNP rs1057524005, ClinGen allele CA16607589.
Genomic context (GRCh38, chr14:22,773,602, plus strand): 5'-TCAACTTCCTTAGCTCTAGCCAGTAGACCAGAAACCCCTGCTTTCCACATCAGGATTCCA[G>C]ATGGTGTTTAGTTAGATTTGGGATCCCGTTGCTTGGGCATCTCTCCTCCATCTTCCAAAT-3'

ClinVar aggregate classification (germline): Likely benign (1 of 4 stars; one submission).

Allele frequency attached by ClinVar (database versions not stated): gnomAD exomes below 0.00001.
gnomAD v4.1: 1 of 1,607,146 alleles (0.000062%); highest among the groups gnomAD compares: Non-Finnish European, 0.000085%; no homozygotes.

Submission:

GeneDx
Classification: Likely benign. Last evaluated: 2016-12-08. Review status: criteria provided, single submitter. Criteria: GeneDx Variant Classification (06012015). Collection method: clinical testing. Allele origin: germline. Affected: yes.
Comment: This variant is considered likely benign or benign based on one or more of the following criteria: it is a conservative change, it occurs at a poorly conserved position in the protein, it is predicted to be benign by multiple in silico algorithms, and/or has population frequency not consistent with disease.